The following is an entry in ClinVar:

NM_001035.3(RYR2):c.3430C>T (p.Arg1144Trp)

Gene: RYR2 (ryanodine receptor 2; plus strand). Cytogenetic location: 1q43.
Variant type: single nucleotide variant.
Coding change: c.3430C>T on transcript NM_001035.3 (MANE Select); coding-DNA position 3430, C replaced by T.
Protein change: p.Arg1144Trp; replaces arginine 1144 with tryptophan.
Molecular consequence: missense variant.
Genome position (GRCh38, 1-based): chr1:237,569,151, C>T. VCF-style: chr1-237569151-C-T. GRCh37 (hg19) VCF-style: chr1-237732451-C-T.
Other names: short protein forms R1144W.
Identifiers: ClinVar variation 1720331 (VCV001720331.3), dbSNP rs1415458743, ClinGen allele CA345389704.

ClinVar aggregate classification (germline): Uncertain significance (1 of 4 stars; one submission).

Conditions:
Catecholaminergic polymorphic ventricular tachycardia 1. Also called: VENTRICULAR TACHYCARDIA, CATECHOLAMINERGIC POLYMORPHIC, 1, WITH OR WITHOUT ATRIAL DYSFUNCTION AND/OR DILATED CARDIOMYOPATHY; VENTRICULAR TACHYCARDIA, STRESS-INDUCED POLYMORPHIC 1; RYR2-Related Catecholaminergic Polymorphic Ventricular Tachycardia. Identifiers: Orphanet 3286, MedGen C1631597, MONDO:0011484, OMIM 604772.

gnomAD v4.1: 3 of 1,612,912 alleles (0.00019%); highest among the groups gnomAD compares: Non-Finnish European, 0.00025%; no homozygotes.

Submission:

Labcorp Genetics (formerly Invitae), Labcorp
Classification: Uncertain significance for Catecholaminergic polymorphic ventricular tachycardia 1. Last evaluated: 2022-10-25. Review status: criteria provided, single submitter. Criteria: Invitae Variant Classification Sherloc (09022015). Collection method: clinical testing. Allele origin: germline.
Comment: This sequence change replaces arginine, which is basic and polar, with tryptophan, which is neutral and slightly polar, at codon 1144 of the RYR2 protein (p.Arg1144Trp). This variant is not present in population databases (gnomAD no frequency). This variant has not been reported in the literature in individuals affected with RYR2-related conditions. Advanced modeling of protein sequence and biophysical properties (such as structural, functional, and spatial information, amino acid conservation, physicochemical variation, residue mobility, and thermodynamic stability) performed at Invitae indicates that this missense variant is not expected to disrupt RYR2 protein function. In summary, the available evidence is currently insufficient to determine the role of this variant in disease. Therefore, it has been classified as a Variant of Uncertain Significance.